The following is an entry in ClinVar:

NM_001003841.3(SLC6A19):c.1468G>A (p.Gly490Ser)

Gene: SLC6A19 (solute carrier family 6 member 19; plus strand). Cytogenetic location: 5p15.33.
Variant type: single nucleotide variant.
Coding change: c.1468G>A on transcript NM_001003841.3 (MANE Select); coding-DNA position 1468, G replaced by A.
Protein change: p.Gly490Ser; replaces glycine 490 with serine.
Molecular consequence: missense variant.
Genome position (GRCh38, 1-based): chr5:1,219,594, G>A. VCF-style: chr5-1219594-G-A. GRCh37 (hg19) VCF-style: chr5-1219709-G-A.
Other names: short protein forms G490S.
Identifiers: ClinVar variation 931106 (VCV000931106.8), dbSNP rs775323445, ClinGen allele CA3183177.

ClinVar aggregate classification (germline): Uncertain significance. Review status: criteria provided, multiple submitters, no conflicts (2 of 4 stars). 4 submissions from 4 submitters: Uncertain significance (4). Last evaluated 2023-12-27.

Conditions:
Inborn genetic diseases. Identifiers: MedGen C0950123, MeSH D030342.
Iminoglycinuria. Identifiers: Orphanet 42062, MedGen C0268654, MONDO:0009448, OMIM 242600.
Neutral 1 amino acid transport defect (HND). Also called: Hartnup disease; HARTNUP DISORDER. Identifiers: Orphanet 2116, MedGen C0018609, MONDO:0009324, OMIM 234500.

Allele frequency attached by ClinVar (database versions not stated): gnomAD 0.00001; gnomAD exomes 0.00001 and 0.00003; TOPMed 0.00003; ExAC 0.00004.
gnomAD v4.1: 15 of 1,611,346 alleles (0.00093%); highest among the groups gnomAD compares: Admixed American, 0.013%; no homozygotes.

Submissions (4):

Fulgent Genetics
Classification: Uncertain significance for Neutral 1 amino acid transport defect. Last evaluated: 2023-12-27. Review status: criteria provided, single submitter. Criteria: ACMG Guidelines, 2015. Collection method: clinical testing. Allele origin: germline.

Ambry Genetics
Classification: Uncertain significance for Inborn genetic diseases. Last evaluated: 2023-06-02. Review status: criteria provided, single submitter. Criteria: Ambry Variant Classification Scheme 2023. Collection method: clinical testing. Allele origin: germline.

Labcorp Genetics (formerly Invitae), Labcorp
Classification: Uncertain significance. Last evaluated: 2022-03-28. Review status: criteria provided, single submitter. Criteria: Invitae Variant Classification Sherloc (09022015). Collection method: clinical testing. Allele origin: germline.
Comment: This sequence change replaces glycine, which is neutral and non-polar, with serine, which is neutral and polar, at codon 490 of the SLC6A19 protein (p.Gly490Ser). This variant is present in population databases (rs775323445, gnomAD 0.01%). This variant has not been reported in the literature in individuals affected with SLC6A19-related conditions. ClinVar contains an entry for this variant (Variation ID: 931106). Algorithms developed to predict the effect of missense changes on protein structure and function are either unavailable or do not agree on the potential impact of this missense change (SIFT: "Deleterious"; PolyPhen-2: "Probably Damaging"; Align-GVGD: "Class C0"). In summary, the available evidence is currently insufficient to determine the role of this variant in disease. Therefore, it has been classified as a Variant of Uncertain Significance.

Centre for Mendelian Genomics, University Medical Centre Ljubljana
Classification: Uncertain significance for Iminoglycinuria. Last evaluated: 2019-03-20. Review status: criteria provided, single submitter. Criteria: ACMG Guidelines, 2015. Collection method: clinical testing. Allele origin: unknown. Affected: yes.
Comment: This variant was classified as: Uncertain significance. The available evidence on this variant's pathogenicity is insufficient or conflicting. The following ACMG criteria were applied in classifying this variant: PP3.